The following is an entry in ClinVar:

ClinVar aggregate classification (germline): Uncertain significance (1 of 4 stars; one submission).

Conditions:
Autosomal dominant childhood-onset proximal spinal muscular atrophy without contractures. Also called: KUGELBERG-WELANDER SYNDROME, AUTOSOMAL DOMINANT; SPINAL MUSCULAR ATROPHY, JUVENILE, PROXIMAL, AUTOSOMAL DOMINANT; Spinal muscular atrophy, lower extremity-predominant 1, AD; SPINAL MUSCULAR ATROPHY, CHILDHOOD, PROXIMAL, AUTOSOMAL DOMINANT. Identifiers: Orphanet 209341, Orphanet 363447, MedGen C5780022, MONDO:0008026, OMIM 158600.

Submission:

Baylor Genetics
Classification: Uncertain significance for Autosomal dominant childhood-onset proximal spinal muscular atrophy without contractures. Last evaluated: 2019-12-16. Review status: criteria provided, single submitter. Criteria: ACMG Guidelines, 2015. Collection method: clinical testing. Allele origin: unknown. Affected: yes.
Comment: This variant was determined to be of uncertain significance according to ACMG Guidelines, 2015 [PMID:25741868].

NM_001376.5(DYNC1H1):c.7747A>G (p.Thr2583Ala)

Gene: DYNC1H1 (dynein cytoplasmic 1 heavy chain 1; plus strand). Cytogenetic location: 14q32.31.
Variant type: single nucleotide variant.
Coding change: c.7747A>G on transcript NM_001376.5 (MANE Select); coding-DNA position 7747, A replaced by G.
Protein change: p.Thr2583Ala; replaces threonine 2583 with alanine.
Molecular consequence: missense variant.
Genome position (GRCh38, 1-based): chr14:102,016,898, A>G. VCF-style: chr14-102016898-A-G. GRCh37 (hg19) VCF-style: chr14-102483235-A-G.
Other names: short protein forms T2583A.
Identifiers: ClinVar variation 1029330 (VCV001029330.1), dbSNP rs2048329952, ClinGen allele CA391002822.